The following is an entry in ClinVar:

NM_001353921.2(ARHGEF9):c.438G>A (p.Met146Ile)

Gene: ARHGEF9 (Cdc42 guanine nucleotide exchange factor 9; minus strand). Cytogenetic location: Xq11.1.
Variant type: single nucleotide variant.
Coding change: c.438G>A on transcript NM_001353921.2 (MANE Select); coding-DNA position 438, G replaced by A.
Protein change: p.Met146Ile; replaces methionine 146 with isoleucine.
Molecular consequence: missense variant. On other transcripts: initiator codon variant (1).
Genome position (GRCh38, 1-based): chrX:63,697,269, C>T on the plus strand (G>A on the coding strand, the complement: ARHGEF9 is on the minus strand). VCF-style: chrX-63697269-C-T. GRCh37 (hg19) VCF-style: chrX-62917149-C-T.
Other names: c.258G>A, p.Met86Ile (NM_001173479.2); c.111G>A, p.Met37Ile (NM_001173480.2, NM_001369042.1); c.354G>A, p.Met118Ile (NM_001330495.2, NM_001353927.2, NM_001369033.1 and 8 more transcripts); c.438G>A, p.Met146Ile (NM_001353922.2); c.456G>A, p.Met152Ile (NM_001353923.1); c.237G>A, p.Met79Ile (NM_001353924.2, NM_001353926.2, NM_001369039.1 and 1 more transcripts); c.417G>A, p.Met139Ile (NM_001353928.2, NM_001369030.1, NM_001369031.1 and 2 more transcripts); c.3G>A, p.Met1Ile (NM_001369045.1); short protein forms M37I, M86I, M139I, M152I, M79I, M146I, M118I, M1I.
Identifiers: ClinVar variation 2768927 (VCV002768927.3), dbSNP rs2519844067, ClinGen allele CA413407161.

ClinVar aggregate classification (germline): Uncertain significance (1 of 4 stars; one submission).

Conditions:
Developmental and epileptic encephalopathy, 8 (DEE8). Also called: HYPEREKPLEXIA AND EPILEPSY. Identifiers: Orphanet 163985, Orphanet 2076, MedGen C1845102, MONDO:0010375, OMIM 300607.

Allele frequency attached by ClinVar (database versions not stated): gnomAD exomes below 0.00001.

Submission:

Labcorp Genetics (formerly Invitae), Labcorp
Classification: Uncertain significance for Developmental and epileptic encephalopathy, 8. Last evaluated: 2024-02-25. Review status: criteria provided, single submitter. Criteria: Invitae Variant Classification Sherloc (09022015). Collection method: clinical testing. Allele origin: germline.
Comment: This sequence change replaces methionine, which is neutral and non-polar, with isoleucine, which is neutral and non-polar, at codon 139 of the ARHGEF9 protein (p.Met139Ile). This variant is not present in population databases (gnomAD no frequency). This variant has not been reported in the literature in individuals affected with ARHGEF9-related conditions. Advanced modeling of protein sequence and biophysical properties (such as structural, functional, and spatial information, amino acid conservation, physicochemical variation, residue mobility, and thermodynamic stability) has been performed at Invitae for this missense variant, however the output from this modeling did not meet the statistical confidence thresholds required to predict the impact of this variant on ARHGEF9 protein function. In summary, the available evidence is currently insufficient to determine the role of this variant in disease. Therefore, it has been classified as a Variant of Uncertain Significance.